The following is an entry in ClinVar:

NM_172107.4(KCNQ2):c.1632-181_1632-180del

Gene: KCNQ2 (potassium voltage-gated channel subfamily Q member 2; minus strand). Cytogenetic location: 20q13.33.
Variant type: Deletion.
Coding change: c.1632-181_1632-180del on transcript NM_172107.4 (MANE Select); 181 bases into the intron before coding-DNA position 1632 through 180 bases into the intron before coding-DNA position 1632, 2 bases deleted (GT; older notation c.1632-181_1632-180delGT).
Molecular consequence: intron variant.
Genome position (GRCh38, 1-based): chr20:63,413,761-63,413,762, AC deleted on the plus strand (GT on the coding strand, the reverse complement: KCNQ2 is on the minus strand); deleting any 2 consecutive bases within chr20:63,413,761-63,413,763 gives the same sequence; the c. name uses the placement nearest the transcript's 3' end. VCF-style (leftmost placement, unchanged base first): chr20-63413760-GAC-G. GRCh37 (hg19) VCF-style: chr20-62045113-GAC-G.
Other names: c.1548-181_1548-180del (NM_004518.6); c.1539-181_1539-180del (NM_172108.5); c.1578-181_1578-180del (NM_172106.3, NM_001382235.1).
Identifiers: ClinVar variation 682052 (VCV000682052.1), dbSNP rs3215651, ClinGen allele CA317429250.
Genomic context (GRCh38, chr20:63,413,760, plus strand): 5'-TGTCTGCCGCCCACCAGCTCCACACACAGAAGGGCCTTTATGTGGCCCTGCTCTGCCCGG[GAC>G]AGGTGGGGCTTGCAGGCCTGGCCATGCCCCCTTGGACTCCATGCCACAGCAGGCAGAAGG-3'

ClinVar aggregate classification (germline): Benign (1 of 4 stars; one submission).

Submission:

GeneDx
Classification: Benign. Last evaluated: 2018-06-14. Review status: criteria provided, single submitter. Criteria: GeneDx Variant Classification (06012015). Collection method: clinical testing. Allele origin: germline. Affected: yes.
Comment: This variant is considered likely benign or benign based on one or more of the following criteria: it is a conservative change, it occurs at a poorly conserved position in the protein, it is predicted to be benign by multiple in silico algorithms, and/or has population frequency not consistent with disease.